The following is an entry in ClinVar:

ClinVar aggregate classification (germline): Uncertain significance. Review status: criteria provided, multiple submitters, no conflicts (2 of 4 stars). 2 submissions from 2 submitters: Uncertain significance (2). Last evaluated 2025-07-31.

Allele frequency attached by ClinVar (database versions not stated): gnomAD exomes below 0.00001.

Submissions (2):

GeneDx
Classification: Uncertain significance. Last evaluated: 2025-07-31. Review status: criteria provided, single submitter. Criteria: GeneDx Variant Classification Process June 2021. Collection method: clinical testing. Allele origin: germline. Affected: yes.
Comment: Not observed at significant frequency in large population cohorts (gnomAD); In silico analysis suggests that this missense variant does not alter protein structure/function; Has not been previously published as pathogenic or benign to our knowledge

Women's Health and Genetics/Laboratory Corporation of America, LabCorp
Classification: Uncertain significance. Last evaluated: 2025-07-16. Review status: criteria provided, single submitter. Criteria: LabCorp Variant Classification Summary - May 2015. Collection method: clinical testing. Allele origin: germline.
Comment: Variant summary: FIG4 c.263G>A (p.Arg88Gln) results in a conservative amino acid change in the encoded protein sequence. Algorithms developed to predict the effect of missense changes on protein structure and function are either unavailable or do not agree on the potential impact of this missense change. The variant was absent in 251482 control chromosomes. The available data on variant occurrences in the general population are insufficient to allow any conclusion about variant significance. To our knowledge, no occurrence of c.263G>A in individuals affected with Charcot-Marie-Tooth disease type 4J and no experimental evidence demonstrating its impact on protein function have been reported. ClinVar contains an entry for this variant (Variation ID: 246552). Based on the evidence outlined above, the variant was classified as uncertain significance.

NM_014845.6(FIG4):c.263G>A (p.Arg88Gln)

Gene: FIG4 (FIG4 phosphoinositide 5-phosphatase; plus strand). Cytogenetic location: 6q21.
Variant type: single nucleotide variant.
Coding change: c.263G>A on transcript NM_014845.6 (MANE Select); coding-DNA position 263, G replaced by A.
Protein change: p.Arg88Gln; replaces arginine 88 with glutamine.
Molecular consequence: missense variant.
Genome position (GRCh38, 1-based): chr6:109,716,542, G>A. VCF-style: chr6-109716542-G-A. GRCh37 (hg19) VCF-style: chr6-110037745-G-A.
Other names: short protein forms R88Q.
Identifiers: ClinVar variation 246552 (VCV000246552.4), dbSNP rs879254310, ClinGen allele CA10584273.